The following is an entry in ClinVar:

NM_001289125.3(IFNAR2):c.559G>A (p.Gly187Arg)

Genes: IFNAR2-IL10RB (IFNAR2-IL10RB readthrough; plus strand), IFNAR2 (interferon alpha and beta receptor subunit 2; plus strand). Cytogenetic location: 21q22.11.
Variant type: single nucleotide variant.
Coding change: c.559G>A on transcript NM_001289125.3 (MANE Select); coding-DNA position 559, G replaced by A.
Protein change: p.Gly187Arg; replaces glycine 187 with arginine.
Molecular consequence: missense variant.
Genome position (GRCh38, 1-based): chr21:33,252,680, G>A. VCF-style: chr21-33252680-G-A. GRCh37 (hg19) VCF-style: chr21-34624985-G-A.
Other names: c.559G>A, p.Gly187Arg (NM_000874.5, NM_001289126.2, NM_001289128.2 and 4 more transcripts); short protein forms G187R.
Identifiers: ClinVar variation 1396869 (VCV001396869.7), dbSNP rs768789852, ClinGen allele CA10005705.

ClinVar aggregate classification (germline): Uncertain significance (1 of 4 stars; one submission).

Allele frequency attached by ClinVar (database versions not stated): gnomAD exomes below 0.00001; ExAC 0.00001; gnomAD 0.00001; TOPMed 0.00002.
gnomAD v4.1: 5 of 1,613,070 alleles (0.00031%); highest among the groups gnomAD compares: African/African-American, 0.004%; no homozygotes.

Submission:

Labcorp Genetics (formerly Invitae), Labcorp
Classification: Uncertain significance. Last evaluated: 2021-07-28. Review status: criteria provided, single submitter. Criteria: Invitae Variant Classification Sherloc (09022015). Collection method: clinical testing. Allele origin: germline.
Comment: In summary, the available evidence is currently insufficient to determine the role of this variant in disease. Therefore, it has been classified as a Variant of Uncertain Significance. Algorithms developed to predict the effect of missense changes on protein structure and function output the following: SIFT: "Tolerated"; PolyPhen-2: "Benign"; Align-GVGD: "Class C0". The arginine amino acid residue is found in multiple mammalian species, which suggests that this missense change does not adversely affect protein function. This variant has not been reported in the literature in individuals affected with IFNAR2-related conditions. This variant is present in population databases (rs768789852, ExAC 0.01%). This sequence change replaces glycine with arginine at codon 187 of the IFNAR2 protein (p.Gly187Arg). The glycine residue is weakly conserved and there is a moderate physicochemical difference between glycine and arginine.